The following is an entry in ClinVar:

NM_003737.4(DCHS1):c.8977C>T (p.Pro2993Ser)

Gene: DCHS1 (dachsous cadherin-related 1; minus strand). Cytogenetic location: 11p15.4.
Variant type: single nucleotide variant.
Coding change: c.8977C>T on transcript NM_003737.4 (MANE Select); coding-DNA position 8977, C replaced by T.
Protein change: p.Pro2993Ser; replaces proline 2993 with serine.
Molecular consequence: missense variant.
Genome position (GRCh38, 1-based): chr11:6,622,699, G>A on the plus strand (C>T on the coding strand, the complement: DCHS1 is on the minus strand). VCF-style: chr11-6622699-G-A. GRCh37 (hg19) VCF-style: chr11-6643930-G-A.
Other names: short protein forms P2993S.
Identifiers: ClinVar variation 5018426 (VCV005018426.1).
Genomic context (GRCh38, chr11:6,622,699, plus strand): 5'-GCCCACCATAGCTGGGAAGAGTCTGGTGATAGAGGTGCTCAGAGGGTGGTGGACTAGGTG[G>A]CTCCCGGCCCAGTTTCTGCAGTGAGTCACTGGCTAGGGGTGCTGCCTGTGACATTGGGCC-3'
Protein context (NP_003728.1, residues 2983-3003): SDSLQKLGRE[Pro2993Ser]PSPPPSEHLY

ClinVar aggregate classification (germline): Uncertain significance (1 of 4 stars; one submission).

Submission:

GeneDx
Classification: Uncertain significance. Last evaluated: 2026-04-11. Review status: criteria provided, single submitter. Criteria: GeneDx Variant Classification Process June 2021. Collection method: clinical testing. Allele origin: germline.
Comment: Not observed at significant frequency in large population cohorts (gnomAD); In silico analysis suggests that this missense variant does not alter protein structure/function; Has not been previously published as pathogenic or benign to our knowledge